The following is an entry in ClinVar:

ClinVar aggregate classification (germline): Uncertain significance (1 of 4 stars; one submission).

Conditions:
Arrhythmogenic right ventricular dysplasia 5. Also called: Arrhythmogenic Right Ventricular Dysplasia/Cardiomyopathy 5; ARRHYTHMOGENIC RIGHT VENTRICULAR DYSPLASIA, FAMILIAL, 5. Identifiers: MedGen C1858379, MONDO:0011459, OMIM 604400.

Submission:

All of Us Research Program, National Institutes of Health
Classification: Uncertain significance for Arrhythmogenic right ventricular dysplasia 5. Last evaluated: 2024-06-17. Review status: criteria provided, single submitter. Criteria: ACMG Guidelines, 2015. Collection method: clinical testing. Allele origin: germline. Inheritance: Autosomal dominant inheritance. Observed: 1 variant allele, 1 heterozygote.
Comment: This variant is located in the 5' untranslated region of the TMEM43 gene. To our knowledge, functional studies have not been reported for this variant. This variant has not been reported in individuals affected with TMEM43-related disorders in the literature. This variant has not been identified in the general population by the Genome Aggregation Database (gnomAD). The available evidence is insufficient to determine the role of this variant in disease conclusively. Therefore, this variant is classified as a Variant of Uncertain Significance.

This study involves interpretation of variants in research participants for the purpose of population health screening. Participant phenotype was not available at the time of variant classification. Additional details can be found in publication PMID: 35346344, PMCID: PMC8962531

NM_024334.3(TMEM43):c.-9G>T

Gene: TMEM43 (transmembrane protein 43; plus strand). Cytogenetic location: 3p25.1.
Variant type: single nucleotide variant.
Coding change: c.-9G>T on transcript NM_024334.3 (MANE Select); 9 bases upstream of the start codon, G replaced by T.
Molecular consequence: 5 prime UTR variant.
Genome position (GRCh38, 1-based): chr3:14,125,185, G>T. VCF-style: chr3-14125185-G-T. GRCh37 (hg19) VCF-style: chr3-14166685-G-T.
Other names: c.-9G>T (NM_001407274.1, NM_001407275.1, NM_001407276.1 and 4 more transcripts).
Identifiers: ClinVar variation 3386074 (VCV003386074.1).